The following is an entry in ClinVar:

ClinVar aggregate classification (germline): Benign/Likely benign. Review status: criteria provided, multiple submitters, no conflicts (2 of 4 stars). 5 submissions from 5 submitters: Benign (4); Likely benign (1). Last evaluated 2025-12-15.

Conditions:
Familial cold autoinflammatory syndrome 2 (FCAS2). Identifiers: Orphanet 247868, MedGen C2673198, MONDO:0012724, OMIM 611762.
Autoinflammatory syndrome. Identifiers: Orphanet 93665, MedGen C3890737, MONDO:0019751.

Allele frequency attached by ClinVar (database versions not stated): gnomAD 0.00004 and 0.00015; TOPMed 0.00009; gnomAD exomes 0.00032 and 0.00059; ExAC 0.00073; 1000 Genomes Project 30x 0.00172; 1000 Genomes Project 0.00180.

Submissions (5):

Labcorp Genetics (formerly Invitae), Labcorp
Classification: Benign for Familial cold autoinflammatory syndrome 2. Last evaluated: 2025-12-15. Review status: criteria provided, single submitter. Criteria: Invitae Variant Classification Sherloc (09022015). Collection method: clinical testing. Allele origin: germline.

CeGaT Center for Human Genetics Tuebingen
Classification: Benign. Last evaluated: 2025-12-01. Review status: criteria provided, single submitter. Criteria: CeGaT Center For Human Genetics Tuebingen Variant Classification Criteria Version 2. Collection method: clinical testing. Allele origin: germline. Affected: yes. Observed: 1 variant allele.
Comment: NLRP12: BS1, BS2

Blueprint Genetics
Classification: Likely benign. Last evaluated: 2024-10-24. Review status: criteria provided, single submitter. Criteria: ACMG Guidelines, 2015. Collection method: clinical testing. Allele origin: germline.

Genome Diagnostics Laboratory, The Hospital for Sick Children
Classification: Benign for Autoinflammatory syndrome. Last evaluated: 2021-03-02. Review status: criteria provided, single submitter. Criteria: ACMG Guidelines, 2015. Collection method: clinical testing. Allele origin: germline. Affected: yes.

Illumina Laboratory Services, Illumina
Classification: Benign for Familial cold autoinflammatory syndrome 2. Last evaluated: 2018-01-13. Review status: criteria provided, single submitter. Criteria: ICSL Variant Classification Criteria 13 December 2019. Collection method: clinical testing. Allele origin: germline.
Comment: This variant was observed in the ICSL laboratory as part of a predisposition screen in an ostensibly healthy population. It had not been previously curated by ICSL or reported in the Human Gene Mutation Database (HGMD: prior to June 1st, 2018), and was therefore a candidate for classification through an automated scoring system. Utilizing variant allele frequency, disease prevalence and penetrance estimates, and inheritance mode, an automated score was calculated to assess if this variant is too frequent to cause the disease. Based on the score and internal cut-off values, a variant classified as benign is not then subjected to further curation. The score for this variant resulted in a classification of benign for this disease.

NM_144687.4(NLRP12):c.1316T>A (p.Leu439Gln)

Gene: NLRP12 (NLR family pyrin domain containing 12; minus strand). Cytogenetic location: 19q13.42.
Variant type: single nucleotide variant.
Coding change: c.1316T>A on transcript NM_144687.4 (MANE Select); coding-DNA position 1316, T replaced by A.
Protein change: p.Leu439Gln; replaces leucine 439 with glutamine.
Molecular consequence: missense variant.
Genome position (GRCh38, 1-based): chr19:53,810,343, A>T on the plus strand (T>A on the coding strand, the complement: NLRP12 is on the minus strand). VCF-style: chr19-53810343-A-T. GRCh37 (hg19) VCF-style: chr19-54313597-A-T.
Other names: c.1316T>A, p.Leu439Gln (NM_001277126.2, NM_001277129.1); short protein forms L439Q.
Identifiers: ClinVar variation 893137 (VCV000893137.21), dbSNP rs373446463, ClinGen allele CA9639457.